The following is an entry in ClinVar:

NM_000038.6(APC):c.7412C>T (p.Pro2471Leu)

Gene: APC (APC regulator of Wnt signaling pathway; plus strand). Cytogenetic location: 5q22.2.
Variant type: single nucleotide variant.
Coding change: c.7412C>T on transcript NM_000038.6 (MANE Select); coding-DNA position 7412, C replaced by T.
Protein change: p.Pro2471Leu; replaces proline 2471 with leucine.
Molecular consequence: missense variant.
Genome position (GRCh38, 1-based): chr5:112,843,006, C>T. VCF-style: chr5-112843006-C-T. GRCh37 (hg19) VCF-style: chr5-112178703-C-T.
Other names: c.7412C>T, p.Pro2471Leu (NM_001127510.3, NM_001354895.2); c.7358C>T, p.Pro2453Leu (NM_001127511.3); c.7466C>T, p.Pro2489Leu (NM_001354896.2); c.7442C>T, p.Pro2481Leu (NM_001354897.2); c.7337C>T, p.Pro2446Leu (NM_001354898.2); c.7328C>T, p.Pro2443Leu (NM_001354899.2); c.7289C>T, p.Pro2430Leu (NM_001354900.2); c.7235C>T, p.Pro2412Leu (NM_001354901.2); and 5 more; short protein forms P2453L, P2471L, P2443L, P2380L, P2430L, P2481L, P2311L, P2370L.
Identifiers: ClinVar variation 229765 (VCV000229765.14), dbSNP rs876658181, ClinGen allele CA10578443.

ClinVar aggregate classification (germline): Uncertain significance. Review status: criteria provided, multiple submitters, no conflicts (2 of 4 stars). 2 submissions from 2 submitters: Uncertain significance (2). Last evaluated 2025-02-17.

Conditions:
Hereditary cancer-predisposing syndrome. Also called: Hereditary neoplastic syndrome; Hereditary Cancer Syndrome; Neoplastic Syndromes, Hereditary; Tumor predisposition. Identifiers: Orphanet 140162, MedGen C0027672, MeSH D009386, MONDO:0015356.
Familial adenomatous polyposis 1 (FAP1). Also called: FAMILIAL ADENOMATOUS POLYPOSIS 1, ATTENUATED; POLYPOSIS, ADENOMATOUS INTESTINAL. Identifiers: MedGen C2713442, MONDO:0021056, OMIM 175100. Disease mechanism: loss of function.

Submissions (2):

Labcorp Genetics (formerly Invitae), Labcorp
Classification: Uncertain significance for Familial adenomatous polyposis 1. Last evaluated: 2025-02-17. Review status: criteria provided, single submitter. Criteria: Invitae Variant Classification Sherloc (09022015). Collection method: clinical testing. Allele origin: germline.
Comment: This sequence change replaces proline, which is neutral and non-polar, with leucine, which is neutral and non-polar, at codon 2471 of the APC protein (p.Pro2471Leu). This variant is not present in population databases (gnomAD no frequency). This variant has not been reported in the literature in individuals affected with APC-related conditions. ClinVar contains an entry for this variant (Variation ID: 229765). Invitae Evidence Modeling of protein sequence and biophysical properties (such as structural, functional, and spatial information, amino acid conservation, physicochemical variation, residue mobility, and thermodynamic stability) indicates that this missense variant is not expected to disrupt APC protein function with a negative predictive value of 95%. In summary, the available evidence is currently insufficient to determine the role of this variant in disease. Therefore, it has been classified as a Variant of Uncertain Significance.

Ambry Genetics
Classification: Uncertain significance for Hereditary cancer-predisposing syndrome. Last evaluated: 2024-01-19. Review status: criteria provided, single submitter. Criteria: Ambry Variant Classification Scheme 2023. Collection method: clinical testing. Allele origin: germline.
Comment: The p.P2471L variant (also known as c.7412C>T), located in coding exon 15 of the APC gene, results from a C to T substitution at nucleotide position 7412. The proline at codon 2471 is replaced by leucine, an amino acid with similar properties. This amino acid position is highly conserved in available vertebrate species. In addition, in silico predictors for this gene do not accurately predict pathogenicity. Based on the available evidence, the clinical significance of this alteration remains unclear.